The following is an entry in ClinVar:

ClinVar aggregate classification (germline): Benign/Likely benign. Review status: criteria provided, multiple submitters, no conflicts (2 of 4 stars). 3 submissions from 3 submitters: Benign (1); Likely benign (2). Last evaluated 2025-10-29.

Allele frequency attached by ClinVar (database versions not stated): gnomAD exomes 0.00106 and 0.00063; ExAC 0.00182; gnomAD 0.00060 and 0.00063; 1000 Genomes Project 30x 0.00062; ESP Exome Variant Server 0.00085; TOPMed 0.00085; 1000 Genomes Project 0.00060.
gnomAD v4.1: 1,056 of 1,597,688 alleles (0.066%); highest among the groups gnomAD compares: Middle Eastern, 1.1%; 2 homozygotes.

Submissions (3):

Labcorp Genetics (formerly Invitae), Labcorp
Classification: Benign. Last evaluated: 2025-10-29. Review status: criteria provided, single submitter. Criteria: Invitae Variant Classification Sherloc (09022015). Collection method: clinical testing. Allele origin: germline.

CeGaT Center for Human Genetics Tuebingen
Classification: Likely benign. Last evaluated: 2023-03-01. Review status: criteria provided, single submitter. Criteria: CeGaT Center For Human Genetics Tuebingen Variant Classification Criteria Version 2. Collection method: clinical testing. Allele origin: germline. Affected: yes. Observed: 2 variant alleles.
Comment: SCARF2: BP4, BP7

Breakthrough Genomics
Classification: Likely benign. Review status: criteria provided, single submitter. Criteria: ACMG Guidelines, 2015. Collection method: not provided. Allele origin: germline. Inheritance: Autosomal recessive inheritance. Affected: yes.

NM_182895.5(SCARF2):c.240C>T (p.Cys80=)

Gene: SCARF2 (scavenger receptor class F member 2; minus strand). Cytogenetic location: 22q11.21.
Variant type: single nucleotide variant.
Coding change: c.240C>T on transcript NM_182895.5 (MANE Select); coding-DNA position 240, C replaced by T.
Protein change: p.Cys80=; no amino-acid change (cysteine 80 retained).
Molecular consequence: synonymous variant.
Genome position (GRCh38, 1-based): chr22:20,431,839, G>A on the plus strand (C>T on the coding strand, the complement: SCARF2 is on the minus strand). VCF-style: chr22-20431839-G-A. GRCh37 (hg19) VCF-style: chr22-20786126-G-A.
Other names: c.240C>T, p.Cys80= (NM_153334.7).
Identifiers: ClinVar variation 1176005 (VCV001176005.42), dbSNP rs138431734, ClinGen allele CA10112665.
Genomic context (GRCh38, chr22:20,431,839, plus strand): 5'-GCAGCGGCACTCGCCAGGCCTCACGCACACCTCGTTCTCTGAGCACGTGGAGTTGCCTTC[G>A]CACACCGCTGTGGACGAGACAGGCCAGAGCTGCTGCGCGTCCTAGCCCCGCCCCCTCCCC-3'
Protein context (NP_878315.2, residues 70-90): QQGDECGIAV[Cys80=]EGNSTCSENE